The following is an entry in ClinVar:

NM_001278298.2(COL6A5):c.1742C>T (p.Ala581Val)

Gene: COL6A5 (collagen type VI alpha 5 chain; plus strand). Cytogenetic location: 3q22.1.
Variant type: single nucleotide variant.
Coding change: c.1742C>T on transcript NM_001278298.2 (MANE Select); coding-DNA position 1742, C replaced by T.
Protein change: p.Ala581Val; replaces alanine 581 with valine.
Molecular consequence: missense variant. On other transcripts: non-coding transcript variant (1).
Genome position (GRCh38, 1-based): chr3:130,385,245, C>T. VCF-style: chr3-130385245-C-T. GRCh37 (hg19) VCF-style: chr3-130104088-C-T.
Other names: c.1742C>T, p.Ala581Val (NM_153264.7); short protein forms A581V.
Identifiers: ClinVar variation 4533437 (VCV004533437.6).

ClinVar aggregate classification (germline): Likely benign (1 of 4 stars; one submission).

gnomAD v4.1: 2,645 of 1,550,834 alleles (0.17%); highest among the groups gnomAD compares: South Asian, 0.94%; 10 homozygotes.

Submission:

CeGaT Center for Human Genetics Tuebingen
Classification: Likely benign. Last evaluated: 2025-10-01. Review status: criteria provided, single submitter. Criteria: CeGaT Center For Human Genetics Tuebingen Variant Classification Criteria Version 2. Collection method: clinical testing. Allele origin: germline. Affected: yes. Observed: 1 variant allele.
Comment: COL6A5: BP4